The following is an entry in ClinVar:

NM_001379610.1(SPINK1):c.226T>G (p.Ser76Ala)

Gene: SPINK1 (serine peptidase inhibitor Kazal type 1; minus strand). Cytogenetic location: 5q32.
Variant type: single nucleotide variant.
Coding change: c.226T>G on transcript NM_001379610.1 (MANE Select); coding-DNA position 226, T replaced by G.
Protein change: p.Ser76Ala; replaces serine 76 with alanine.
Molecular consequence: missense variant.
Genome position (GRCh38, 1-based): chr5:147,824,675, A>C on the plus strand (T>G on the coding strand, the complement: SPINK1 is on the minus strand). VCF-style: chr5-147824675-A-C. GRCh37 (hg19) VCF-style: chr5-147204238-A-C.
Other names: c.226T>G, p.Ser76Ala (NM_001354966.2, NM_003122.5); short protein forms S76A.
Identifiers: ClinVar variation 3223135 (VCV003223135.1), dbSNP rs1756367137, ClinGen allele CA361885080.

ClinVar aggregate classification (germline): Uncertain significance (1 of 4 stars; one submission).

Conditions:
Hereditary pancreatitis (PCTT). Also called: Hereditary chronic pancreatitis; PRSS1-Related Hereditary Pancreatitis. Identifiers: Orphanet 676, MedGen C0238339, MONDO:0008185, OMIM 167800.

Submission:

Ambry Genetics
Classification: Uncertain significance for Hereditary pancreatitis. Last evaluated: 2024-02-11. Review status: criteria provided, single submitter. Criteria: Ambry Variant Classification Scheme 2023. Collection method: clinical testing. Allele origin: germline.
Comment: The p.S76A variant (also known as c.226T>G), located in coding exon 4 of the SPINK1 gene, results from a T to G substitution at nucleotide position 226. The serine at codon 76 is replaced by alanine, an amino acid with similar properties. This amino acid position is conserved. In addition, this alteration is predicted to be tolerated by in silico analysis. Based on the available evidence, the clinical significance of this alteration remains unclear.